The following is an entry in ClinVar:

NM_001365536.1(SCN9A):c.1921A>T (p.Asn641Tyr)

Genes: SCN1A-AS1 (SCN1A and SCN9A antisense RNA 1; plus strand), SCN9A (sodium voltage-gated channel alpha subunit 9; minus strand). Cytogenetic location: 2q24.3.
Variant type: single nucleotide variant.
Coding change: c.1921A>T on transcript NM_001365536.1 (MANE Select); coding-DNA position 1921, A replaced by T.
Protein change: p.Asn641Tyr; replaces asparagine 641 with tyrosine.
Molecular consequence: missense variant.
Genome position (GRCh38, 1-based): chr2:166,284,506, T>A on the plus strand (A>T on the coding strand, the complement: SCN9A is on the minus strand). VCF-style: chr2-166284506-T-A. GRCh37 (hg19) VCF-style: chr2-167141016-T-A.
Other names: c.1921A>T, p.Asn641Tyr (NM_002977.4); short protein forms N641Y.
Identifiers: ClinVar variation 6366 (VCV000006366.18), dbSNP rs121908918, ClinGen allele CA118164.

ClinVar aggregate classification (germline): Conflicting classifications of pathogenicity. Review status: criteria provided, conflicting classifications (1 of 4 stars). 4 submissions from 4 submitters: Uncertain significance (2); Benign (1). 1 of the submissions does not count toward it. Last evaluated 2025-12-28.

Conditions:
Neuropathy, hereditary sensory and autonomic, type 2A (HSAN2A). Also called: HSAN IIA; ACROOSTEOLYSIS, GIACCAI TYPE; ACROOSTEOLYSIS, NEUROGENIC; WNK1-Related HSAN2 (HSAN2A); MORVAN DISEASE; NEUROPATHY, CONGENITAL SENSORY. Identifiers: Orphanet 970, MedGen C2752089, MONDO:0024309, OMIM 201300.
Paroxysmal extreme pain disorder (PEXPD). Also called: SCN9A Paroxysmal Extreme Pain Disorder (SCN9A-PEPD); PAIN, SUBMANDIBULAR, OCULAR, AND RECTAL, WITH FLUSHING; RECTAL PAIN, FAMILIAL. Identifiers: Orphanet 46348, MedGen C1833661, MONDO:0008179, OMIM 167400.
Primary erythromelalgia. Also called: primary erythermalgia; SCN9A Erythromelalgia (SCN9A-EM). Identifiers: Orphanet 306577, Orphanet 90026, MedGen C0014805, MONDO:0007571, OMIM 133020.
Channelopathy-associated congenital insensitivity to pain, autosomal recessive. Also called: CONGENITAL ANALGESIA, AUTOSOMAL RECESSIVE; Insensitivity to pain, channelopathy-associated; ASYMBOLIA FOR PAIN. Identifiers: Orphanet 88642, Orphanet 970, MedGen C1855739, MONDO:0009459, OMIM 243000.
Generalized epilepsy with febrile seizures plus, type 7 (GEFSP7). Also called: GEFS+, TYPE 7. Identifiers: Orphanet 36387, MedGen C2751778, MONDO:0013470, OMIM 613863.
Inborn genetic diseases. Identifiers: MedGen C0950123, MeSH D030342.

Allele frequency attached by ClinVar (database versions not stated): gnomAD 0.00004; ExAC 0.00001; TOPMed 0.00005; gnomAD exomes 0.00002.
gnomAD v4.1: 40 of 1,613,946 alleles (0.0025%); highest among the groups gnomAD compares: Non-Finnish European, 0.0034%; no homozygotes.

Submissions (4):

Labcorp Genetics (formerly Invitae), Labcorp
Classification: Uncertain significance for Neuropathy, hereditary sensory and autonomic, type 2A; Generalized epilepsy with febrile seizures plus, type 7. Last evaluated: 2025-12-28. Review status: criteria provided, single submitter. Criteria: Invitae Variant Classification Sherloc (09022015). Collection method: clinical testing. Allele origin: germline.
Comment: This sequence change replaces asparagine, which is neutral and polar, with tyrosine, which is neutral and polar, at codon 641 of the SCN9A protein (p.Asn641Tyr). This variant is present in population databases (rs121908918, gnomAD 0.006%). This missense change has been observed in individual(s) with febrile seizures and seizures (PMID: 19763161, 33216760). It has also been observed to segregate with disease in related individuals. ClinVar contains an entry for this variant (Variation ID: 6366). Invitae Evidence Modeling of protein sequence and biophysical properties (such as structural, functional, and spatial information, amino acid conservation, physicochemical variation, residue mobility, and thermodynamic stability) indicates that this missense variant is not expected to disrupt SCN9A protein function with a negative predictive value of 95%. Experimental studies have shown that this missense change affects SCN9A function (PMID: 19763161, 31372899). In summary, the available evidence is currently insufficient to determine the role of this variant in disease. Therefore, it has been classified as a Variant of Uncertain Significance.

Ambry Genetics
Classification: Uncertain significance for Inborn genetic diseases. Last evaluated: 2022-09-08. Review status: criteria provided, single submitter. Criteria: Ambry Variant Classification Scheme 2023. Collection method: clinical testing. Allele origin: germline.
Comment: The p.N641Y variant (also known as c.1921A>T), located in coding exon 11 of the SCN9A gene, results from an A to T substitution at nucleotide position 1921. The asparagine at codon 641 is replaced by tyrosine, an amino acid with dissimilar properties. This amino acid position is not well conserved in available vertebrate species. In addition, the in silico prediction for this alteration is inconclusive. Since supporting evidence is limited at this time, the clinical significance of this alteration remains unclear.

New Leaf Center
Classification: Benign for Generalized epilepsy with febrile seizures plus, type 7. Last evaluated: 2020-07-10. Review status: criteria provided, single submitter. Criteria: ACMG Guidelines, 2015. Collection method: case-control. Allele origin: inherited. Inheritance: Autosomal dominant inheritance. Affected: no.
Comment: We identify the p.(Asn641Tyr) in heterozygous state in 18 Amish individuals without history of generalised febrile or afebrile seizures (one individual has focal seizures), inconstant with it as a cause of a monogenic epilepsy disorder. This variant had been previously described by Singh et al 2009.

OMIM
Classification: Uncertain significance for RECLASSIFIED - VARIANT OF UNKNOWN SIGNIFICANCE. Last evaluated: 2009-09-01. Review status: no assertion criteria provided. Collection method: literature only. Allele origin: germline. Not counted in ClinVar's aggregate classification.

Literature cited by the submitters: PubMed 19763161 (cited by Labcorp Genetics (formerly Invitae), Labcorp and OMIM); PubMed 33216760 (cited by Labcorp Genetics (formerly Invitae), Labcorp and OMIM); PubMed 31372899 (cited by Labcorp Genetics (formerly Invitae), Labcorp); PubMed 10514109 (cited by OMIM); PubMed 10852559 (cited by OMIM); PubMed 10852560 (cited by OMIM).